The following is an entry in ClinVar:

NM_003001.5(SDHC):c.179+5G>C

Gene: SDHC (succinate dehydrogenase complex subunit C; plus strand). Cytogenetic location: 1q23.3.
Variant type: single nucleotide variant.
Coding change: c.179+5G>C on transcript NM_003001.5 (MANE Select); 5 bases into the intron after coding-DNA position 179, G replaced by C.
Molecular consequence: intron variant.
Genome position (GRCh38, 1-based): chr1:161,328,502, G>C. VCF-style: chr1-161328502-G-C. GRCh37 (hg19) VCF-style: chr1-161298292-G-C.
Other names: c.68+5G>C (NM_001407119.1, NM_001407120.1); c.179+5G>C (NM_001407115.1, NM_001035511.3); c.77+4832G>C (NM_001035512.3, NM_001278172.3, NM_001407118.1); c.122+5G>C (NM_001407116.1, NM_001407121.1, NM_001407117.1); c.21-12092G>C (NM_001035513.3).
Identifiers: ClinVar variation 1035378 (VCV001035378.22), dbSNP rs1671157979, ClinGen allele CA1202696433.
Genomic context (GRCh38, chr1:161,328,502, plus strand): 5'-TGGAATAAGAATATAGGTTCAAACCGTCCTCTGTCTCCCCACATTACTATCTACAGGTAA[G>C]GAAGGATTCTGGAGCCAGAGAATCTAGAGGTAGTGGGTGAAAGTTCTGAAGGTTGATCTT-3'

ClinVar aggregate classification (germline): Uncertain significance (1 of 4 stars; one submission).

Conditions:
Gastrointestinal stromal tumor. Also called: Gastrointestinal stromal tumor, somatic; Gastrointestinal stroma tumor. Identifiers: Orphanet 44890, MedGen C0238198, MeSH D046152, MONDO:0011719, OMIM 606764, HP:0100723.
Pheochromocytoma/paraganglioma syndrome 3. Also called: GLOMUS TUMORS, FAMILIAL, 3; SDHC-Related Hereditary Paraganglioma-Pheochromocytoma Syndrome (Paragangliomas 3); Paragangliomas 3; SDHC-Related Hereditary Paraganglioma-Pheochromocytoma Syndrome. Identifiers: Orphanet 29072, MedGen C1854336, MONDO:0011544, OMIM 605373.

Submission:

Labcorp Genetics (formerly Invitae), Labcorp
Classification: Uncertain significance for Pheochromocytoma/paraganglioma syndrome 3; Gastrointestinal stromal tumor. Last evaluated: 2020-02-15. Review status: criteria provided, single submitter. Criteria: Invitae Variant Classification Sherloc (09022015). Collection method: clinical testing. Allele origin: germline.
Comment: This variant has not been reported in the literature in individuals with SDHC-related conditions. Nucleotide substitutions within the consensus splice site are a relatively common cause of aberrant splicing (PMID: 17576681, 9536098). Algorithms developed to predict the effect of sequence changes on RNA splicing suggest that this variant is not likely to affect RNA splicing, but this prediction has not been confirmed by published transcriptional studies. In summary, the available evidence is currently insufficient to determine the role of this variant in disease. Therefore, it has been classified as a Variant of Uncertain Significance. This variant is not present in population databases (ExAC no frequency). This sequence change falls in intron 3 of the SDHC gene. It does not directly change the encoded amino acid sequence of the SDHC protein, but it affects a nucleotide within the consensus splice site of the intron.

Literature cited by the submitters: PubMed 17576681; PubMed 9536098.